The following is an entry in ClinVar:

ClinVar aggregate classification (germline): Benign. Review status: criteria provided, multiple submitters, no conflicts (2 of 4 stars). 6 submissions from 6 submitters: Benign (6). Last evaluated 2023-07-07.

Conditions:
Xeroderma pigmentosum group A (XPA). Also called: Xeroderma pigmentosum, complementation group A; XP, group A; XPA-Related Xeroderma Pigmentosum. Identifiers: Orphanet 910, MedGen C0268135, MONDO:0010210, OMIM 278700.
Xeroderma pigmentosum, group C (XPC). Also called: Xeroderma pigmentosum, complementation group C; XPC-Related Xeroderma Pigmentosum; XERODERMA PIGMENTOSUM III; XP, GROUP C. Identifiers: Orphanet 910, MedGen C2752147, MONDO:0010211, OMIM 278720.

Allele frequency attached by ClinVar (database versions not stated): 1000 Genomes Project 0.32788; 1000 Genomes Project 30x 0.33588; gnomAD exomes 0.41510 and 0.45959; TOPMed 0.41713; gnomAD 0.42063 and 0.42677; ExAC 0.42109; ESP Exome Variant Server 0.43468.
gnomAD v4.1: 733,359 of 1,612,026 alleles (45%); highest among the groups gnomAD compares: Non-Finnish European, 48%; 172,975 homozygotes.

Submissions (6):

KCCC/NGS Laboratory, Kuwait Cancer Control Center
Classification: Benign for Xeroderma pigmentosum group A. Last evaluated: 2023-07-07. Review status: criteria provided, single submitter. Criteria: ACMG Guidelines, 2015. Collection method: clinical testing. Allele origin: germline. Affected: yes.

Genome-Nilou Lab
Classification: Benign for Xeroderma pigmentosum, group C. Last evaluated: 2021-12-05. Review status: criteria provided, single submitter. Criteria: ACMG Guidelines, 2015. Collection method: clinical testing. Allele origin: germline. Affected: no.

GeneDx
Classification: Benign. Last evaluated: 2019-01-10. Review status: criteria provided, single submitter. Criteria: GeneDx Variant Classification Process June 2021. Collection method: clinical testing. Allele origin: germline. Affected: yes.

Illumina Laboratory Services, Illumina
Classification: Benign for Xeroderma pigmentosum, group C. Last evaluated: 2018-01-12. Review status: criteria provided, single submitter. Criteria: ICSL Variant Classification Criteria 13 December 2019. Collection method: clinical testing. Allele origin: germline.
Comment: This variant was observed in the ICSL laboratory as part of a predisposition screen in an ostensibly healthy population. It had not been previously curated by ICSL or reported in the Human Gene Mutation Database (HGMD: prior to June 1st, 2018), and was therefore a candidate for classification through an automated scoring system. Utilizing variant allele frequency, disease prevalence and penetrance estimates, and inheritance mode, an automated score was calculated to assess if this variant is too frequent to cause the disease. Based on the score and internal cut-off values, a variant classified as benign is not then subjected to further curation. The score for this variant resulted in a classification of benign for this disease.

Breakthrough Genomics
Classification: Benign. Review status: criteria provided, single submitter. Criteria: ACMG Guidelines, 2015. Collection method: not provided. Allele origin: germline. Inheritance: Autosomal recessive inheritance. Affected: yes.

PreventionGenetics, part of Exact Sciences
Classification: Benign. Review status: criteria provided, single submitter. Criteria: ACMG Guidelines, 2015. Collection method: clinical testing. Allele origin: germline.

NM_004628.5(XPC):c.-27G>C

Genes: XPC (XPC complex subunit, DNA damage recognition and repair factor; minus strand), LOC129936244 (ATAC-STARR-seq lymphoblastoid active region 19500; plus strand). Cytogenetic location: 3p25.1.
Variant type: single nucleotide variant.
Coding change: c.-27G>C on transcript NM_004628.5 (MANE Select); 27 bases upstream of the start codon, G replaced by C.
Molecular consequence: 5 prime UTR variant. On other transcripts: non-coding transcript variant (2).
Genome position (GRCh38, 1-based): chr3:14,178,595, C>G on the plus strand (G>C on the coding strand, the complement: XPC is on the minus strand). VCF-style: chr3-14178595-C-G. GRCh37 (hg19) VCF-style: chr3-14220095-C-G.
Other names: c.-482G>C (NM_001354726.2); c.-27G>C (NM_001354727.2, NM_001354729.2, NM_001354730.2).
Identifiers: ClinVar variation 259465 (VCV000259465.11), dbSNP rs2607775, ClinGen allele CA2267864.